The following is an entry in ClinVar:

NM_133497.4(KCNV2):c.257C>T (p.Pro86Leu)

Gene: KCNV2 (potassium voltage-gated channel modifier subfamily V member 2; plus strand). Cytogenetic location: 9p24.2.
Variant type: single nucleotide variant.
Coding change: c.257C>T on transcript NM_133497.4 (MANE Select); coding-DNA position 257, C replaced by T.
Protein change: p.Pro86Leu; replaces proline 86 with leucine.
Molecular consequence: missense variant.
Genome position (GRCh38, 1-based): chr9:2,717,996, C>T. VCF-style: chr9-2717996-C-T. GRCh37 (hg19) VCF-style: chr9-2717996-C-T.
Other names: short protein forms P86L.
Identifiers: ClinVar variation 1518199 (VCV001518199.8), dbSNP rs1379886188, ClinGen allele CA372796185.

ClinVar aggregate classification (germline): Uncertain significance (1 of 4 stars; one submission).

Allele frequency attached by ClinVar (database versions not stated): gnomAD exomes below 0.00001.
gnomAD v4.1: 1 of 1,614,100 alleles (0.000062%); highest among the groups gnomAD compares: Admixed American, 0.0017%; no homozygotes.

Submission:

Labcorp Genetics (formerly Invitae), Labcorp
Classification: Uncertain significance. Last evaluated: 2021-07-08. Review status: criteria provided, single submitter. Criteria: Invitae Variant Classification Sherloc (09022015). Collection method: clinical testing. Allele origin: germline.
Comment: This variant has not been reported in the literature in individuals affected with KCNV2-related conditions. Advanced modeling of protein sequence and biophysical properties (such as structural, functional, and spatial information, amino acid conservation, physicochemical variation, residue mobility, and thermodynamic stability) performed at Invitae indicates that this missense variant is not expected to disrupt KCNV2 protein function. In summary, the available evidence is currently insufficient to determine the role of this variant in disease. Therefore, it has been classified as a Variant of Uncertain Significance. This sequence change replaces proline with leucine at codon 86 of the KCNV2 protein (p.Pro86Leu). The proline residue is moderately conserved and there is a moderate physicochemical difference between proline and leucine. This variant is not present in population databases (ExAC no frequency).